The following is an entry in ClinVar:

NM_006206.6(PDGFRA):c.1303_1304del (p.Cys435fs)

Gene: PDGFRA (platelet derived growth factor receptor alpha; plus strand). Cytogenetic location: 4q12.
Variant type: Deletion.
Coding change: c.1303_1304del on transcript NM_006206.6 (MANE Select); coding-DNA positions 1303 to 1304, 2 bases deleted (TG; older notation c.1303_1304delTG).
Protein change: p.Cys435fs; shifts the reading frame from cysteine 435.
Molecular consequence: frameshift variant.
Genome position (GRCh38, 1-based): chr4:54,272,459-54,272,460, TG deleted; deleting any 2 consecutive bases within chr4:54,272,458-54,272,460 gives the same sequence; the c. name uses the placement nearest the transcript's 3' end. VCF-style (leftmost placement, unchanged base first): chr4-54272457-GGT-G. GRCh37 (hg19) VCF-style: chr4-55138624-GGT-G.
Other names: c.1303_1304del, p.Cys435fs (NM_001347827.2, NM_001347829.2); c.1378_1379del, p.Cys460fs (NM_001347828.2); c.1342_1343del, p.Cys448fs (NM_001347830.2); short protein forms C448fs, C435fs, C460fs.
Identifiers: ClinVar variation 4721080 (VCV004721080.1).

ClinVar aggregate classification (germline): Uncertain significance (1 of 4 stars; one submission).

Conditions:
Gastrointestinal stromal tumor. Also called: Gastrointestinal stromal tumor, somatic; Gastrointestinal stroma tumor. Identifiers: Orphanet 44890, MedGen C0238198, MeSH D046152, MONDO:0011719, OMIM 606764, HP:0100723.

Submission:

Labcorp Genetics (formerly Invitae), Labcorp
Classification: Uncertain significance for Gastrointestinal stromal tumor. Last evaluated: 2025-06-09. Review status: criteria provided, single submitter. Criteria: Invitae Variant Classification Sherloc (09022015). Collection method: clinical testing. Allele origin: germline.
Comment: This sequence change creates a premature translational stop signal (p.Cys435Hisfs*3) in the PDGFRA gene. It is expected to result in an absent or disrupted protein product. However, the current clinical and genetic evidence is not sufficient to establish whether loss-of-function variants in PDGFRA cause disease. This variant is not present in population databases (gnomAD no frequency). This variant has not been reported in the literature in individuals affected with PDGFRA-related conditions. Algorithms developed to predict the effect of sequence changes on RNA splicing suggest that this variant may disrupt the consensus splice site. In summary, the available evidence is currently insufficient to determine the role of this variant in disease. Therefore, it has been classified as a Variant of Uncertain Significance.